The following is an entry in ClinVar:

NM_000517.4(HBA2):c.-157C>T

Genes: HBA2 (hemoglobin subunit alpha 2; plus strand), LOC106804612 (hemoglobin subunit alpha 2 recombination region; plus strand). Cytogenetic location: 16p13.3.
Variant type: single nucleotide variant.
Coding change: c.-157C>T on transcript NM_000517.4; 157 bases upstream of the start codon, C replaced by T.
Genome position (GRCh38, 1-based): chr16:172,756, C>T. VCF-style: chr16-172756-C-T. GRCh37 (hg19) VCF-style: chr16-222755-C-T.
Identifiers: ClinVar variation 2775407 (VCV002775407.2), dbSNP rs2505429891, ClinGen allele CA2697549459.
Genomic context (GRCh38, chr16:172,756, plus strand): 5'-CCCCGCCCCGCGTGCACCCCCAGGGGAGGCCGAGCCCGCCGCCCGGCCCCGCGCAGGCCC[C>T]GCCCGGGACTCCCCTGCGGTCCAGGCCGCGCCCCGGGCTCCGCGCCAGCCAATGAGCGCC-3'

ClinVar aggregate classification (germline): Uncertain significance (1 of 4 stars; one submission).

Conditions:
Thalassemia. Identifiers: MedGen C0039730, MONDO:0000984.

Submission:

MVZ Dr. Eberhard & Partner Dortmund
Classification: Uncertain significance for Thalassemia. Last evaluated: 2023-04-20. Review status: criteria provided, single submitter. Criteria: ACMG Guidelines, 2015. Collection method: clinical testing. Allele origin: unknown. Observed: 1 variant allele.
Comment: This variant was absent from literature, variant databases and control databases. The modified position is part of a binding site for the transcription factor KLF4 in the proximal promoter region in HBA2. Therefore an impact on the expression can not be excluded.

Literature cited by the submitters: PubMed 18003757.